The following is an entry in ClinVar:

ClinVar aggregate classification (germline): Likely benign. Review status: criteria provided, single submitter (1 of 4 stars). 2 submissions from 2 submitters: Likely benign (1). 1 of the submissions does not count toward it. Last evaluated 2026-08-01.

Conditions:
DNAH2-related disorder. Also called: DNAH2-related condition.

Allele frequency attached by ClinVar (database versions not stated): 1000 Genomes Project 0.00439; 1000 Genomes Project 30x 0.00453; ExAC 0.00610; gnomAD 0.00615; ESP Exome Variant Server 0.00623; TOPMed 0.00642; gnomAD exomes 0.00721.
gnomAD v4.1: 11,443 of 1,613,504 alleles (0.71%); highest among the groups gnomAD compares: Middle Eastern, 1.2%; 50 homozygotes.

Submissions (8):

CeGaT Center for Human Genetics Tuebingen
Classification: Likely benign. Last evaluated: 2026-08-01. Review status: criteria provided, single submitter. Criteria: CeGaT Center For Human Genetics Tuebingen Variant Classification Criteria Version 2. Collection method: clinical testing. Allele origin: germline. Affected: yes. Observed: 6 variant alleles.
Comment: DNAH2: BP4, BS2

PreventionGenetics, part of Exact Sciences
Classification: Likely benign for DNAH2-related condition. Last evaluated: 2019-04-02. Review status: no assertion criteria provided. Collection method: clinical testing. Allele origin: germline. Not counted in ClinVar's aggregate classification.
Comment: This variant is classified as likely benign based on ACMG/AMP sequence variant interpretation guidelines (Richards et al. 2015 PMID: 25741868, with internal and published modifications).

Dr. Peter K. Rogan Lab, Western University
No classification provided (evidence only). Condition: Clear cell carcinoma of kidney. Review status: no classification provided. Collection method: in vitro. Allele origin: not applicable. Functional consequence: retained intron. Not counted in ClinVar's aggregate classification.

Dr. Peter K. Rogan Lab, Western University
No classification provided (evidence only). Condition: Clear cell carcinoma of kidney. Review status: no classification provided. Collection method: in vitro. Allele origin: not applicable. Functional consequence: retained intron. Not counted in ClinVar's aggregate classification.

Dr. Peter K. Rogan Lab, Western University
No classification provided (evidence only). Condition: Uterine corpus endometrial carcinoma. Review status: no classification provided. Collection method: in vitro. Allele origin: not applicable. Functional consequence: retained intron. Not counted in ClinVar's aggregate classification.

Dr. Peter K. Rogan Lab, Western University
No classification provided (evidence only). Condition: Ovarian serous cystadenocarcinoma. Review status: no classification provided. Collection method: in vitro. Allele origin: not applicable. Functional consequence: retained intron. Not counted in ClinVar's aggregate classification.

Dr. Peter K. Rogan Lab, Western University
No classification provided (evidence only). Condition: Uterine carcinosarcoma. Review status: no classification provided. Collection method: in vitro. Allele origin: not applicable. Functional consequence: retained intron. Not counted in ClinVar's aggregate classification.

Dr. Peter K. Rogan Lab, Western University
No classification provided (evidence only). Condition: Malignant tumor of esophagus. Review status: no classification provided. Collection method: in vitro. Allele origin: not applicable. Functional consequence: retained intron. Not counted in ClinVar's aggregate classification.

NM_020877.5(DNAH2):c.890A>G (p.Lys297Arg)

Gene: DNAH2 (dynein axonemal heavy chain 2; plus strand). Cytogenetic location: 17p13.1.
Variant type: single nucleotide variant.
Coding change: c.890A>G on transcript NM_020877.5 (MANE Select); coding-DNA position 890, A replaced by G.
Protein change: p.Lys297Arg; replaces lysine 297 with arginine.
Molecular consequence: missense variant.
Genome position (GRCh38, 1-based): chr17:7,734,620, A>G. VCF-style: chr17-7734620-A-G. GRCh37 (hg19) VCF-style: chr17-7637938-A-G.
Other names: NC_000017.10:g.7637938A>G; c.890A>G, p.Lys297Arg (NM_001303270.2); c.890A>G (NM_020877.3); short protein forms K297R.
Identifiers: ClinVar variation 2647370 (VCV002647370.26), dbSNP rs144934136, ClinGen allele CA8355976.
Genomic context (GRCh38, chr17:7,734,620, plus strand): 5'-AGATTGAGTTCTGGCGCAACCGATGCATGGACCTGTCTGGCATCAGTAAGCAGCTGGTGA[A>G]GAAGGGAGTGAAGCACGTTGAATCCATCCTGCACCTTGCCAAGTCGTCCTACTTGGCGCC-3'
Protein context (NP_065928.2, residues 287-307): DLSGISKQLV[Lys297Arg]KGVKHVESIL